The following is an entry in ClinVar:

NM_144997.7(FLCN):c.828T>C (p.Gly276=)

Gene: FLCN (folliculin; minus strand). Cytogenetic location: 17p11.2.
Variant type: single nucleotide variant.
Coding change: c.828T>C on transcript NM_144997.7 (MANE Select); coding-DNA position 828, T replaced by C.
Protein change: p.Gly276=; no amino-acid change (glycine 276 retained).
Molecular consequence: synonymous variant.
Genome position (GRCh38, 1-based): chr17:17,221,580, A>G on the plus strand (T>C on the coding strand, the complement: FLCN is on the minus strand). VCF-style: chr17-17221580-A-G. GRCh37 (hg19) VCF-style: chr17-17124894-A-G.
Other names: c.882T>C, p.Gly294= (NM_001353229.2); c.828T>C, p.Gly276= (NM_001353230.2, NM_001353231.2, NM_144606.7).
Identifiers: ClinVar variation 3773017 (VCV003773017.2).

ClinVar aggregate classification (germline): Benign/Likely benign. Review status: criteria provided, multiple submitters, no conflicts (2 of 4 stars). 2 submissions from 2 submitters: Benign (1); Likely benign (1). Last evaluated 2026-01-27.

Conditions:
Birt-Hogg-Dube syndrome 1 (BHD1). Also called: FIBROFOLLICULOMAS WITH TRICHODISCOMAS AND ACROCHORDONS. Identifiers: Orphanet 122, MedGen CN375946, MONDO:0800445, OMIM 135150.
Hereditary cancer-predisposing syndrome. Also called: Hereditary Cancer Syndrome; Neoplastic Syndromes, Hereditary; Tumor predisposition; Hereditary neoplastic syndrome. Identifiers: Orphanet 140162, MedGen C0027672, MeSH D009386, MONDO:0015356.

gnomAD v4.1: 1 of 1,611,018 alleles (0.000062%); highest among the groups gnomAD compares: Non-Finnish European, 0.000085%; no homozygotes.

Submissions (2):

Ambry Genetics
Classification: Likely benign for Hereditary cancer-predisposing syndrome. Last evaluated: 2026-01-27. Review status: criteria provided, single submitter. Criteria: Ambry Variant Classification Scheme 2023. Collection method: clinical testing. Allele origin: germline.

Myriad Genetics, Inc.
Classification: Benign for Birt-Hogg-Dube syndrome 1. Last evaluated: 2024-10-23. Review status: criteria provided, single submitter. Criteria: Myriad Autosomal Dominant, Autosomal Recessive and X-Linked Classification Criteria (2023). Collection method: clinical testing. Allele origin: unknown.
Comment: This variant is considered benign. This variant is a silent/synonymous amino acid change and it is not expected to impact splicing.